The following is an entry in ClinVar:

ClinVar aggregate classification (germline): Uncertain significance (1 of 4 stars; one submission).

Conditions:
Primary ciliary dyskinesia. Also called: Ciliary dyskinesia. Identifiers: Orphanet 244, MedGen C0008780, MONDO:0016575, HP:0012265.

gnomAD v4.1: 1 of 1,613,258 alleles (0.000062%); no homozygotes.

Submission:

Labcorp Genetics (formerly Invitae), Labcorp
Classification: Uncertain significance for Primary ciliary dyskinesia. Last evaluated: 2026-01-05. Review status: criteria provided, single submitter. Criteria: Invitae Variant Classification Sherloc (09022015). Collection method: clinical testing. Allele origin: germline.
Comment: This sequence change replaces leucine, which is neutral and non-polar, with proline, which is neutral and non-polar, at codon 1409 of the DNAH5 protein (p.Leu1409Pro). This variant is not present in population databases (gnomAD no frequency). This missense change has been observed in individual(s) with clinical features of primary ciliary dyskinesia (internal data). In at least one individual the data is consistent with being in trans (on the opposite chromosome) from a pathogenic variant. ClinVar contains an entry for this variant (Variation ID: 3637057). Invitae Evidence Modeling of protein sequence and biophysical properties (such as structural, functional, and spatial information, amino acid conservation, physicochemical variation, residue mobility, and thermodynamic stability) has been performed for this missense variant. However, the output from this modeling did not meet the statistical confidence thresholds required to predict the impact of this variant on DNAH5 protein function. In summary, the available evidence is currently insufficient to determine the role of this variant in disease. Therefore, it has been classified as a Variant of Uncertain Significance.

NM_001369.3(DNAH5):c.4226T>C (p.Leu1409Pro)

Genes: DNAH5 (dynein axonemal heavy chain 5; minus strand), DNAH5-AS1 (DNAH5 antisense RNA 1; plus strand). Cytogenetic location: 5p15.2.
Variant type: single nucleotide variant.
Coding change: c.4226T>C on transcript NM_001369.3 (MANE Select); coding-DNA position 4226, T replaced by C.
Protein change: p.Leu1409Pro; replaces leucine 1409 with proline.
Molecular consequence: missense variant.
Genome position (GRCh38, 1-based): chr5:13,865,797, A>G on the plus strand (T>C on the coding strand, the complement: DNAH5 is on the minus strand). VCF-style: chr5-13865797-A-G. GRCh37 (hg19) VCF-style: chr5-13865906-A-G.
Other names: short protein forms L1409P.
Identifiers: ClinVar variation 3637057 (VCV003637057.2).